The following is an entry in ClinVar:

ClinVar aggregate classification (germline): Pathogenic. Review status: criteria provided, multiple submitters, no conflicts (2 of 4 stars). 4 submissions from 4 submitters: Pathogenic (4). Last evaluated 2026-03-23.

Conditions:
GATA2-related disorder. Also called: GATA2-Related Disorders; GATA2-related condition.
Monocytopenia with susceptibility to infections. Also called: IMMUNODEFICIENCY 21; MONOCYTOPENIA AND MYCOBACTERIAL INFECTION SYNDROME; MONOCYTOPENIA WITH SUSCEPTIBILITY TO MYCOBACTERIAL, FUNGAL, AND PAPILLOMAVIRUS INFECTIONS AND MYELODYSPLASIA; COMBINED IMMUNODEFICIENCY WITH SUSCEPTIBILITY TO MYCOBACTERIAL, VIRAL, AND FUNGAL INFECTIONS; Dendritic cell, monocyte, B lymphocyte, and natural killer lymphocyte deficiency; GATA2 DEFICIENCY. Identifiers: Orphanet 228423, MedGen C3280030, MONDO:0013607, OMIM 614172.
Deafness-lymphedema-leukemia syndrome. Also called: Lymphedema, primary, with myelodysplasia; Emberger syndrome. Identifiers: Orphanet 3226, MedGen C3279664, MONDO:0013540, OMIM 614038.
GATA2 deficiency with susceptibility to MDS/AML. Identifiers: MedGen CN300066, MONDO:0042982.

Allele frequency attached by ClinVar (database versions not stated): gnomAD exomes below 0.00001.
gnomAD v4.1: 1 of 1,614,160 alleles (0.000062%); highest among the groups gnomAD compares: Non-Finnish European, 0.000085%; no homozygotes.

Submissions (4):

PreventionGenetics, part of Exact Sciences
Classification: Pathogenic for GATA2-related condition. Last evaluated: 2026-03-23. Review status: criteria provided, single submitter. Criteria: ACMG Guidelines, 2015. Collection method: clinical testing. Allele origin: germline.
Comment: The GATA2 c.988C>T variant is predicted to result in premature protein termination (p.Arg330*). This variant has been frequently reported in individuals with GATA2 deficiency syndrome (see examples: West et al. 2014. PubMed ID: 24077845; Donadieu et al. 2018. PubMed ID: 29724903; Supplemental Table S1, Kozyra et al. 2021. PubMed ID: 34469508; supplemental table 3, Molteni et al. 2023. PubMed ID: 37216690). This variant has not been reported in a large population database (gnomAD), indicating this variant is rare. Nonsense variants in GATA2 are expected to be pathogenic. This variant is interpreted as pathogenic.

Labcorp Genetics (formerly Invitae), Labcorp
Classification: Pathogenic for Monocytopenia with susceptibility to infections; Deafness-lymphedema-leukemia syndrome. Last evaluated: 2025-11-17. Review status: criteria provided, single submitter. Criteria: Invitae Variant Classification Sherloc (09022015). Collection method: clinical testing. Allele origin: germline.
Comment: This sequence change creates a premature translational stop signal (p.Arg330*) in the GATA2 gene. It is expected to result in an absent or disrupted protein product. Loss-of-function variants in GATA2 are known to be pathogenic (PMID: 21670465, 23223431). This variant is not present in population databases (gnomAD no frequency). This premature translational stop signal has been observed in individual(s) with GATA2 deficiency (PMID: 23223431, 24077845, 24782121, 25239263). It has also been observed to segregate with disease in related individuals. ClinVar contains an entry for this variant (Variation ID: 640197). For these reasons, this variant has been classified as Pathogenic.

Blueprint Genetics
Classification: Pathogenic for GATA2-related disorders. Last evaluated: 2023-09-18. Review status: criteria provided, single submitter. Criteria: ACMG Guidelines, 2015. Collection method: clinical testing. Allele origin: germline. Affected: yes. Observed: 1 variant allele.

Molecular Pathology Research Laboratory, SA Pathology
Classification: Pathogenic for GATA2 deficiency with susceptibility to MDS/AML; Deafness-lymphedema-leukemia syndrome. Last evaluated: 2021-07-06. Review status: criteria provided, single submitter. Criteria: ACMG Guidelines, 2015. Collection method: curation. Allele origin: germline. Inheritance: Autosomal dominant inheritance. Affected: yes. Observed: 13 variant alleles. Clinical features observed: Myelodysplasia, Acute Myeloid Leukemia, Immunodeficiency, Lymphedema, Hematological abnormality, Juvenile myelomonocytic leukemia.
Comment: PVS1, PS4, PM2

Literature cited by the submitters: PubMed 21670465 (cited by Labcorp Genetics (formerly Invitae), Labcorp); PubMed 23223431 (cited by Labcorp Genetics (formerly Invitae), Labcorp and Molecular Pathology Research Laboratory, SA Pathology); PubMed 24077845 (cited by Labcorp Genetics (formerly Invitae), Labcorp and Molecular Pathology Research Laboratory, SA Pathology); PubMed 24782121 (cited by Labcorp Genetics (formerly Invitae), Labcorp and Molecular Pathology Research Laboratory, SA Pathology); PubMed 25239263 (cited by Labcorp Genetics (formerly Invitae), Labcorp and Molecular Pathology Research Laboratory, SA Pathology); PubMed 29724903 (cited by Molecular Pathology Research Laboratory, SA Pathology); PubMed 30578959 (cited by Molecular Pathology Research Laboratory, SA Pathology); PubMed 24227816 (cited by Molecular Pathology Research Laboratory, SA Pathology); PubMed 25359990 (cited by Molecular Pathology Research Laboratory, SA Pathology); PubMed 28825694 (cited by Molecular Pathology Research Laboratory, SA Pathology); PubMed 33417088 (cited by Molecular Pathology Research Laboratory, SA Pathology); PubMed 24578498 (cited by Molecular Pathology Research Laboratory, SA Pathology); PubMed 33370941 (cited by Molecular Pathology Research Laboratory, SA Pathology).

NM_032638.5(GATA2):c.988C>T (p.Arg330Ter)

Gene: GATA2 (GATA binding protein 2; minus strand). Cytogenetic location: 3q21.3.
Variant type: single nucleotide variant.
Coding change: c.988C>T on transcript NM_032638.5 (MANE Select); coding-DNA position 988, C replaced by T.
Protein change: p.Arg330Ter; replaces arginine 330 with a stop codon.
Molecular consequence: nonsense.
Genome position (GRCh38, 1-based): chr3:128,483,889, G>A on the plus strand (C>T on the coding strand, the complement: GATA2 is on the minus strand). VCF-style: chr3-128483889-G-A. GRCh37 (hg19) VCF-style: chr3-128202732-G-A.
Other names: c.988C>T (NM_001145661.1); c.988C>T, p.Arg330Ter (NM_001145661.2, NM_001145662.1); short protein forms R330*.
Identifiers: ClinVar variation 640197 (VCV000640197.11), dbSNP rs1576746847, ClinGen allele CA354404344.